The following is an entry in ClinVar:

NM_000059.4(BRCA2):c.3911del (p.Thr1304fs)

Gene: BRCA2 (BRCA2 DNA repair associated; plus strand). Cytogenetic location: 13q13.1.
Variant type: Deletion.
Coding change: c.3911del on transcript NM_000059.4 (MANE Select); coding-DNA position 3911, one base deleted (C; older notation c.3911delC).
Protein change: p.Thr1304fs; shifts the reading frame from threonine 1304.
Molecular consequence: frameshift variant.
Genome position (GRCh38, 1-based): chr13:32,338,266, C deleted. VCF-style (leftmost placement, unchanged base first): chr13-32338265-AC-A. GRCh37 (hg19) VCF-style: chr13-32912402-AC-A.
Other names: 4139delC; c.3911delC (NM_000059.3); short protein forms T1304fs.
Identifiers: ClinVar variation 51560 (VCV000051560.3), dbSNP rs80359415, ClinGen allele CA019141.

ClinVar aggregate classification (germline): Pathogenic. Review status: reviewed by expert panel (3 of 4 stars). 3 submissions from 3 submitters: Pathogenic (1). 2 of the submissions do not count toward it. Last evaluated 2016-09-08.

Conditions:
Hereditary cancer-predisposing syndrome. Also called: Hereditary Cancer Syndrome; Hereditary neoplastic syndrome; Neoplastic Syndromes, Hereditary; Tumor predisposition. Identifiers: Orphanet 140162, MedGen C0027672, MeSH D009386, MONDO:0015356.
Breast-ovarian cancer, familial, susceptibility to, 2 (BROVCA2). Also called: BRCA2 Hereditary Breast and Ovarian Cancer. Identifiers: Orphanet 145, MedGen C2675520, MONDO:0012933, OMIM 612555. Disease mechanism: loss of function.

Submissions (3):

Evidence-based Network for the Interpretation of Germline Mutant Alleles (ENIGMA)
Classification: Pathogenic for Breast-ovarian cancer, familial, susceptibility to, 2. Last evaluated: 2016-09-08. Review status: reviewed by expert panel. Criteria: ENIGMA BRCA1/2 Classification Criteria (2015). Collection method: curation. Allele origin: germline.
Comment: Variant allele predicted to encode a truncated non-functional protein.

Ambry Genetics
Classification: Pathogenic for Hereditary cancer-predisposing syndrome. Last evaluated: 2026-02-27. Review status: criteria provided, single submitter. Criteria: Ambry Variant Classification Scheme 2023. Collection method: clinical testing. Allele origin: germline. Not counted in ClinVar's aggregate classification.
Comment: The c.3911delC pathogenic mutation, located in coding exon 10 of the BRCA2 gene, results from a deletion of one nucleotide at nucleotide position 3911, causing a translational frameshift with a predicted alternate stop codon (p.T1304Ifs*31). This variant is considered to be rare based on population cohorts in the Genome Aggregation Database (gnomAD). This alteration is expected to result in loss of function by premature protein truncation or nonsense-mediated mRNA decay. As such, this alteration is interpreted as a disease-causing mutation.

Breast Cancer Information Core (BIC) (BRCA2)
Classification: Pathogenic for Breast-ovarian cancer, familial 2. Last evaluated: 2003-12-23. Review status: no assertion criteria provided. Collection method: clinical testing. Allele origin: germline. Affected: yes. Observed: 1 variant allele. Not counted in ClinVar's aggregate classification.